The following is an entry in ClinVar:

ClinVar aggregate classification (germline): Uncertain significance (1 of 4 stars; one submission).

Conditions:
SOS1-related disorder. Also called: SOS1-related condition.

Submission:

PreventionGenetics, part of Exact Sciences
Classification: Uncertain significance for SOS1-related condition. Last evaluated: 2025-02-17. Review status: criteria provided, single submitter. Criteria: ACMG Guidelines, 2015. Collection method: clinical testing. Allele origin: germline.
Comment: The SOS1 c.3779C>T variant is predicted to result in the amino acid substitution p.Pro1260Leu. To our knowledge, this variant has not been reported in the literature or in a large population database (gnomAD), indicating this variant is rare. At this time, the clinical significance of this variant is uncertain due to the absence of conclusive functional and genetic evidence.

NM_005633.4(SOS1):c.3779C>T (p.Pro1260Leu)

Gene: SOS1 (SOS Ras/Rac guanine nucleotide exchange factor 1; minus strand). Cytogenetic location: 2p22.1.
Variant type: single nucleotide variant.
Coding change: c.3779C>T on transcript NM_005633.4 (MANE Select); coding-DNA position 3779, C replaced by T.
Protein change: p.Pro1260Leu; replaces proline 1260 with leucine.
Molecular consequence: missense variant.
Genome position (GRCh38, 1-based): chr2:38,986,047, G>A on the plus strand (C>T on the coding strand, the complement: SOS1 is on the minus strand). VCF-style: chr2-38986047-G-A. GRCh37 (hg19) VCF-style: chr2-39213188-G-A.
Other names: c.3758C>T, p.Pro1253Leu (NM_001382394.1); c.3734C>T, p.Pro1245Leu (NM_001382395.1); short protein forms P1245L, P1253L, P1260L.
Identifiers: ClinVar variation 3344728 (VCV003344728.2).